The following is an entry in ClinVar:

ClinVar aggregate classification (germline): Benign/Likely benign. Review status: criteria provided, multiple submitters, no conflicts (2 of 4 stars). 3 submissions from 3 submitters: Benign (2); Likely benign (1). Last evaluated 2026-01-19.

Conditions:
Brain small vessel disease 2A, autosomal dominant. Also called: Porencephaly 2. Identifiers: Orphanet 2940, Orphanet 99810, MedGen C3280970, MONDO:0013773, OMIM 614483.

Allele frequency attached by ClinVar (database versions not stated): 1000 Genomes Project 30x 0.00016; ESP Exome Variant Server 0.00048.
gnomAD v4.1: 374 of 1,613,356 alleles (0.023%); highest among the groups gnomAD compares: Non-Finnish European, 0.022%; no homozygotes.

Submissions (3):

Labcorp Genetics (formerly Invitae), Labcorp
Classification: Benign. Last evaluated: 2026-01-19. Review status: criteria provided, single submitter. Criteria: Invitae Variant Classification Sherloc (09022015). Collection method: clinical testing. Allele origin: germline.

Blueprint Genetics
Classification: Likely benign. Last evaluated: 2024-11-06. Review status: criteria provided, single submitter. Criteria: ACMG Guidelines, 2015. Collection method: clinical testing. Allele origin: germline.

Illumina Laboratory Services, Illumina
Classification: Benign for Brain small vessel disease 2A, autosomal dominant. Last evaluated: 2018-01-13. Review status: criteria provided, single submitter. Criteria: ICSL Variant Classification Criteria 13 December 2019. Collection method: clinical testing. Allele origin: germline.
Comment: This variant was observed in the ICSL laboratory as part of a predisposition screen in an ostensibly healthy population. It had not been previously curated by ICSL or reported in the Human Gene Mutation Database (HGMD: prior to June 1st, 2018), and was therefore a candidate for classification through an automated scoring system. Utilizing variant allele frequency, disease prevalence and penetrance estimates, and inheritance mode, an automated score was calculated to assess if this variant is too frequent to cause the disease. Based on the score and internal cut-off values, a variant classified as benign is not then subjected to further curation. The score for this variant resulted in a classification of benign for this disease.

NM_001846.4(COL4A2):c.4882-13C>G

Gene: COL4A2 (collagen type IV alpha 2 chain; plus strand). Cytogenetic location: 13q34.
Variant type: single nucleotide variant.
Coding change: c.4882-13C>G on transcript NM_001846.4 (MANE Select); 13 bases into the intron before coding-DNA position 4882, C replaced by G.
Molecular consequence: intron variant.
Genome position (GRCh38, 1-based): chr13:110,511,921, C>G. VCF-style: chr13-110511921-C-G. GRCh37 (hg19) VCF-style: chr13-111164268-C-G.
Identifiers: ClinVar variation 311189 (VCV000311189.13), dbSNP rs375187382, ClinGen allele CA7050692.